The following is an entry in ClinVar:

ClinVar aggregate classification (germline): Uncertain significance. Review status: criteria provided, multiple submitters, no conflicts (2 of 4 stars). 2 submissions from 2 submitters: Uncertain significance (2). Last evaluated 2026-06-23.

Conditions:
BICC1-related disorder. Also called: BICC1-related condition.

Allele frequency attached by ClinVar (database versions not stated): TOPMed below 0.00001; gnomAD exomes 0.00002; ExAC 0.00003.
gnomAD v4.1: 27 of 1,613,288 alleles (0.0017%); highest among the groups gnomAD compares: Admixed American, 0.0083%; no homozygotes.

Submissions (2):

PreventionGenetics, part of Exact Sciences
Classification: Uncertain significance for BICC1-related condition. Last evaluated: 2026-06-23. Review status: criteria provided, single submitter. Criteria: ACMG Guidelines, 2015. Collection method: clinical testing. Allele origin: germline.
Comment: The BICC1 c.1795G>A variant is predicted to result in the amino acid substitution p.Gly599Arg. To our knowledge, this variant has not been reported in the literature. This variant is reported in 0.019% of alleles in individuals of European (Finnish) descent in gnomAD, which is likely too common for an undocumented disease-causing variant. Although we suspect that this variant may be benign, at this time, the clinical significance of this variant is uncertain due to the absence of conclusive functional and genetic evidence.

Labcorp Genetics (formerly Invitae), Labcorp
Classification: Uncertain significance. Last evaluated: 2023-08-10. Review status: criteria provided, single submitter. Criteria: Invitae Variant Classification Sherloc (09022015). Collection method: clinical testing. Allele origin: germline.
Comment: This variant has not been reported in the literature in individuals affected with BICC1-related conditions. ClinVar contains an entry for this variant (Variation ID: 2118482). An algorithm developed to predict the effect of missense changes on protein structure and function (PolyPhen-2) suggests that this variant is likely to be tolerated. In summary, the available evidence is currently insufficient to determine the role of this variant in disease. Therefore, it has been classified as a Variant of Uncertain Significance. This variant is present in population databases (rs765964273, gnomAD 0.02%). This sequence change replaces glycine, which is neutral and non-polar, with arginine, which is basic and polar, at codon 599 of the BICC1 protein (p.Gly599Arg).

NM_001080512.3(BICC1):c.1795G>A (p.Gly599Arg)

Gene: BICC1 (BicC family RNA binding protein 1; plus strand). Cytogenetic location: 10q21.1.
Variant type: single nucleotide variant.
Coding change: c.1795G>A on transcript NM_001080512.3 (MANE Select); coding-DNA position 1795, G replaced by A.
Protein change: p.Gly599Arg; replaces glycine 599 with arginine.
Molecular consequence: missense variant.
Genome position (GRCh38, 1-based): chr10:58,800,263, G>A. VCF-style: chr10-58800263-G-A. GRCh37 (hg19) VCF-style: chr10-60560023-G-A.
Other names: c.1795G>A (NM_001080512.2); short protein forms G599R.
Identifiers: ClinVar variation 2118482 (VCV002118482.5), dbSNP rs765964273, ClinGen allele CA5508598.